The following is an entry in ClinVar:

NM_006231.4(POLE):c.1183G>T (p.Gly395Trp)

Gene: POLE (DNA polymerase epsilon, catalytic subunit; minus strand). Cytogenetic location: 12q24.33.
Variant type: single nucleotide variant.
Coding change: c.1183G>T on transcript NM_006231.4 (MANE Select); coding-DNA position 1183, G replaced by T.
Protein change: p.Gly395Trp; replaces glycine 395 with tryptophan.
Molecular consequence: missense variant.
Genome position (GRCh38, 1-based): chr12:132,675,441, C>A on the plus strand (G>T on the coding strand, the complement: POLE is on the minus strand). VCF-style: chr12-132675441-C-A. GRCh37 (hg19) VCF-style: chr12-133252027-C-A.
Other names: short protein forms G395W.
Identifiers: ClinVar variation 2148083 (VCV002148083.5), dbSNP rs1475049831, ClinGen allele CA387360841.

ClinVar aggregate classification (germline): Uncertain significance. Review status: criteria provided, multiple submitters, no conflicts (2 of 4 stars). 2 submissions from 2 submitters: Uncertain significance (2). Last evaluated 2025-01-11.

Allele frequency attached by ClinVar (database versions not stated): TOPMed 0.00001.

Submissions (2):

Quest Diagnostics Nichols Institute San Juan Capistrano
Classification: Uncertain significance. Last evaluated: 2025-01-11. Review status: criteria provided, single submitter. Criteria: Quest Diagnostics criteria. Collection method: clinical testing. Allele origin: unknown.
Comment: The POLE c.1183G>T (p.Gly395Trp) variant has not been reported in individuals with POLE-related conditions in the published literature. The frequency of this variant in the general population (Genome Aggregation Database) is uninformative in the assessment of its pathogenicity. Analysis of this variant using bioinformatics tools for the prediction of the effect of amino acid changes on protein structure and function yielded predictions that this variant is damaging. Based on the available information, we are unable to determine the clinical significance of this variant.

Labcorp Genetics (formerly Invitae), Labcorp
Classification: Uncertain significance. Last evaluated: 2023-10-06. Review status: criteria provided, single submitter. Criteria: Invitae Variant Classification Sherloc (09022015). Collection method: clinical testing. Allele origin: germline.
Comment: This sequence change replaces glycine, which is neutral and non-polar, with tryptophan, which is neutral and slightly polar, at codon 395 of the POLE protein (p.Gly395Trp). This variant is not present in population databases (gnomAD no frequency). This variant has not been reported in the literature in individuals affected with POLE-related conditions. ClinVar contains an entry for this variant (Variation ID: 2148083). Advanced modeling of protein sequence and biophysical properties (such as structural, functional, and spatial information, amino acid conservation, physicochemical variation, residue mobility, and thermodynamic stability) performed at Invitae indicates that this missense variant is expected to disrupt POLE protein function. In summary, the available evidence is currently insufficient to determine the role of this variant in disease. Therefore, it has been classified as a Variant of Uncertain Significance.